The following is an entry in ClinVar:

NM_004770.3(KCNB2):c.154A>C (p.Thr52Pro)

Gene: KCNB2 (potassium voltage-gated channel subfamily B member 2; plus strand). Cytogenetic location: 8q21.11.
Variant type: single nucleotide variant.
Coding change: c.154A>C on transcript NM_004770.3 (MANE Select); coding-DNA position 154, A replaced by C.
Protein change: p.Thr52Pro; replaces threonine 52 with proline.
Molecular consequence: missense variant.
Genome position (GRCh38, 1-based): chr8:72,567,888, A>C. VCF-style: chr8-72567888-A-C. GRCh37 (hg19) VCF-style: chr8-73480123-A-C.
Other names: short protein forms T52P.
Identifiers: ClinVar variation 4741761 (VCV004741761.1).

ClinVar aggregate classification (germline): Uncertain significance (1 of 4 stars; one submission).

Submission:

Labcorp Genetics (formerly Invitae), Labcorp
Classification: Uncertain significance. Last evaluated: 2025-07-20. Review status: criteria provided, single submitter. Criteria: Invitae Variant Classification Sherloc (09022015). Collection method: clinical testing. Allele origin: germline.
Comment: This sequence change replaces threonine, which is neutral and polar, with proline, which is neutral and non-polar, at codon 52 of the KCNB2 protein (p.Thr52Pro). This variant is not present in population databases (gnomAD no frequency). This variant has not been reported in the literature in individuals affected with KCNB2-related conditions. Invitae Evidence Modeling of protein sequence and biophysical properties (such as structural, functional, and spatial information, amino acid conservation, physicochemical variation, residue mobility, and thermodynamic stability) indicates that this missense variant is not expected to disrupt KCNB2 protein function with a negative predictive value of 80%. In summary, the available evidence is currently insufficient to determine the role of this variant in disease. Therefore, it has been classified as a Variant of Uncertain Significance.